The following is an entry in ClinVar:

ClinVar aggregate classification (germline): Uncertain significance (1 of 4 stars; one submission).

Submission:

GeneDx
Classification: Uncertain significance. Last evaluated: 2026-03-31. Review status: criteria provided, single submitter. Criteria: GeneDx Variant Classification Process June 2021. Collection method: clinical testing. Allele origin: germline.
Comment: Not observed at significant frequency in large population cohorts (gnomAD); In-frame duplication of 1 amino acid(s) in a non-repeat region; Has not been previously published as pathogenic or benign to our knowledge

NM_014516.4(CNOT3):c.1207_1209dup (p.Ser403_Gly404insSer)

Gene: CNOT3 (CCR4-NOT transcription complex subunit 3; plus strand). Cytogenetic location: 19q13.42.
Variant type: Duplication.
Coding change: c.1207_1209dup on transcript NM_014516.4 (MANE Select); coding-DNA positions 1207 to 1209, 3 bases duplicated (AGC; older notation c.1207_1209dupAGC).
Protein change: p.Ser403_Gly404insSer.
Molecular consequence: inframe insertion. On other transcripts: non-coding transcript variant (2).
Genome position (GRCh38, 1-based): chr19:54,148,460-54,148,462, AGC duplicated; duplicating any 3 consecutive bases within chr19:54,148,458-54,148,462 gives the same sequence; the c. name uses the placement nearest the transcript's 3' end. VCF-style (leftmost placement, unchanged base first): chr19-54148457-G-GGCA. GRCh37 (hg19) VCF-style: chr19-54652192-G-GGCA.
Other names: c.1210_1212dup, p.Ser404_Gly405insSer (NM_001440653.1, NM_001440655.1, NM_001440657.1 and 3 more transcripts); c.1207_1209dup, p.Ser403_Gly404insSer (NM_001440654.1, NM_001440656.1, NM_001440658.1 and 1 more transcripts); c.664_666dup, p.Ser222_Gly223insSer (NM_001440659.1, NM_001440660.1).
Identifiers: ClinVar variation 5017657 (VCV005017657.1).